The following is an entry in ClinVar:

ClinVar aggregate classification (germline): Conflicting classifications of pathogenicity. Review status: criteria provided, conflicting classifications (1 of 4 stars). 5 submissions from 5 submitters: Likely pathogenic (2); Uncertain significance (3). Last evaluated 2025-12-12.

Conditions:
Cystic renal disease.
Familial juvenile hyperuricemic nephropathy type 1 (ADTKD1). Also called: Autosomal Dominant Tubulointerstitial Kidney Disease – UMOD; UMOD-Associated Kidney Disease; Uromodulin-associated kidney disease; Glomerulocystic kidney disease with hyperuricemia and isosthenuria; Medullary cystic kidney disease 2. Identifiers: Orphanet 209886, Orphanet 34149, Orphanet 88950, MedGen C4551496, MONDO:0008073, OMIM 162000.

Allele frequency attached by ClinVar (database versions not stated): gnomAD exomes below 0.00001.

Submissions (5):

Labcorp Genetics (formerly Invitae), Labcorp
Classification: Uncertain significance. Last evaluated: 2025-12-12. Review status: criteria provided, single submitter. Criteria: Invitae Variant Classification Sherloc (09022015). Collection method: clinical testing. Allele origin: germline.
Comment: This sequence change replaces tyrosine, which is neutral and polar, with cysteine, which is neutral and slightly polar, at codon 183 of the UMOD protein (p.Tyr183Cys). This variant is not present in population databases (gnomAD no frequency). This missense change has been observed in individual(s) with clinical features of a UMOD-related condition (PMID: 34519781). ClinVar contains an entry for this variant (Variation ID: 423637). Invitae Evidence Modeling of protein sequence and biophysical properties (such as structural, functional, and spatial information, amino acid conservation, physicochemical variation, residue mobility, and thermodynamic stability) indicates that this missense variant is not expected to disrupt UMOD protein function with a negative predictive value of 80%. In summary, the available evidence is currently insufficient to determine the role of this variant in disease. Therefore, it has been classified as a Variant of Uncertain Significance.

Genetics Laboratory, Great Ormond Street Hospital NHS Foundation Trust, North Thames Genomic Laboratory Hub
Classification: Likely pathogenic for Cystic renal disease. Last evaluated: 2025-12-04. Review status: criteria provided, single submitter. Criteria: ACGS Best Practice Guidelines for Variant Classification in Rare Disease 2024 v1.2. Collection method: clinical testing. Allele origin: germline. Affected: yes.
Comment: PS4_moderate, PM2_moderate, PM1_moderate

Victorian Clinical Genetics Services, Murdoch Childrens Research Institute
Classification: Likely pathogenic for Familial juvenile hyperuricemic nephropathy type 1. Last evaluated: 2025-10-20. Review status: criteria provided, single submitter. Criteria: ACMG Guidelines, 2015. Collection method: clinical testing. Allele origin: germline. Affected: yes.
Comment: This variant is classified as Likely pathogenic. Evidence in support of pathogenic classification: Variant is present in gnomAD <0.001 for a dominant condition (v4: 4 heterozygote(s), 0 homozygote(s)); This variant has moderate previous evidence of pathogenicity in unrelated individuals. It has been reported in at least two families with autosomal dominant tubulointerstitial kidney disease in the literature (PMID: 34519781), and in three internal VCGS patients with progressive renal tubulointerstitial disease, an abnormality of renal resorption and chronic kidney disease, or polycystic kidney dysplasia and renal failure. Additional information: Variant is predicted to result in a missense amino acid change from tyrosine to cysteine; This variant is heterozygous; This gene is associated with autosomal dominant disease; No published segregation evidence has been identified for this variant; No published functional evidence has been identified for this variant; No comparable missense variants have previous evidence for pathogenicity; Variant is not located in an established domain, motif, hotspot or informative constraint region; Missense variant with conflicting in silico predictions and uninformative conservation; Dominant negative is a known mechanism of disease in this gene and is associated with autosomal dominant tubulointerstitial kidney disease 1 (MIM#162000) (PMID: 22117067); Variants in this gene are known to have variable expressivity. Intrafamilial variability has been described (PMID: 21868615); Inheritance information for this variant is not currently available in this individual.

Fulgent Genetics
Classification: Uncertain significance for Familial juvenile hyperuricemic nephropathy type 1. Last evaluated: 2024-06-15. Review status: criteria provided, single submitter. Criteria: ACMG Guidelines, 2015. Collection method: clinical testing. Allele origin: germline.

GeneDx
Classification: Uncertain significance. Last evaluated: 2017-02-24. Review status: criteria provided, single submitter. Criteria: GeneDx Variant Classification (06012015). Collection method: clinical testing. Allele origin: germline. Affected: yes.
Comment: The Y183C variant in the UMOD gene has not been reported previously as a pathogenic variant, nor as a benign variant, to our knowledge. The Y183C variant is not observed in large population cohorts (Lek et al., 2016; 1000 Genomes Consortium et al., 2015; Exome Variant Server). The Y183C variant is a non-conservative amino acid substitution, which is likely to impact secondary protein structure as these residues differ in polarity, charge, size and/or other properties. This substitution occurs at a position that is not conserved. In silico analysis is inconsistent in its predictions as to whether or not the variant is damaging to the protein structure/function. We interpret Y183C as a variant of uncertain significance

Literature cited by the submitters: PubMed 34519781 (cited by Labcorp Genetics (formerly Invitae), Labcorp and Victorian Clinical Genetics Services, Murdoch Childrens Research Institute); PubMed 21868615 (cited by Victorian Clinical Genetics Services, Murdoch Childrens Research Institute); PubMed 22117067 (cited by Victorian Clinical Genetics Services, Murdoch Childrens Research Institute).

NM_003361.4(UMOD):c.548A>G (p.Tyr183Cys)

Gene: UMOD (uromodulin; minus strand). Cytogenetic location: 16p12.3.
Variant type: single nucleotide variant.
Coding change: c.548A>G on transcript NM_003361.4 (MANE Select); coding-DNA position 548, A replaced by G.
Protein change: p.Tyr183Cys; replaces tyrosine 183 with cysteine.
Molecular consequence: missense variant. On other transcripts: non-coding transcript variant (1).
Genome position (GRCh38, 1-based): chr16:20,348,753, T>C on the plus strand (A>G on the coding strand, the complement: UMOD is on the minus strand). VCF-style: chr16-20348753-T-C. GRCh37 (hg19) VCF-style: chr16-20360075-T-C.
Other names: c.548A>G, p.Tyr183Cys (NM_001008389.3, NM_001378232.1, NM_001378233.1 and 3 more transcripts); c.647A>G, p.Tyr216Cys (NM_001278614.2); short protein forms Y183C, Y216C.
Identifiers: ClinVar variation 423637 (VCV000423637.11), dbSNP rs1064796542, ClinGen allele CA16620080.